The following is an entry in ClinVar:

NM_003743.5(NCOA1):c.1060A>T (p.Met354Leu)

Gene: NCOA1 (nuclear receptor coactivator 1; plus strand). Cytogenetic location: 2p23.3.
Variant type: single nucleotide variant.
Coding change: c.1060A>T on transcript NM_003743.5 (MANE Select); coding-DNA position 1060, A replaced by T.
Protein change: p.Met354Leu; replaces methionine 354 with leucine.
Molecular consequence: missense variant.
Genome position (GRCh38, 1-based): chr2:24,705,196, A>T. VCF-style: chr2-24705196-A-T. GRCh37 (hg19) VCF-style: chr2-24928065-A-T.
Other names: c.1060A>T, p.Met354Leu (NM_001362950.1, NM_001362952.1, NM_001362954.1 and 3 more transcripts); short protein forms M354L.
Identifiers: ClinVar variation 3348942 (VCV003348942.1).

ClinVar aggregate classification (germline): Uncertain significance (0 of 4 stars; one submission).

Conditions:
NCOA1-related disorder. Also called: NCOA1-related condition.

gnomAD v4.1: 1 of 1,614,008 alleles (0.000062%); no homozygotes.

Submission:

PreventionGenetics, part of Exact Sciences
Classification: Uncertain significance for NCOA1-related condition. Last evaluated: 2024-08-21. Review status: no assertion criteria provided. Collection method: clinical testing. Allele origin: germline.
Comment: The NCOA1 c.1060A>T variant is predicted to result in the amino acid substitution p.Met354Leu. To our knowledge, this variant has not been reported in the literature or in a large population database, indicating this variant is rare. At this time, the clinical significance of this variant is uncertain due to the absence of conclusive functional and genetic evidence.